The following is an entry in ClinVar:

ClinVar aggregate classification (germline): Likely pathogenic (1 of 4 stars; one submission).

Conditions:
F8-related disorder. Also called: F8-related condition.

Submission:

PreventionGenetics, part of Exact Sciences
Classification: Likely pathogenic for F8-related condition. Last evaluated: 2023-08-10. Review status: criteria provided, single submitter. Criteria: ACMG Guidelines, 2015. Collection method: clinical testing. Allele origin: germline.
Comment: The F8 c.6551A>G variant is predicted to result in the amino acid substitution p.Glu2184Gly. This variant was reported in a hemophilia A cohort (Table S4a, Johnsen et al. 2017. PubMed ID: 29296726) and documented in two cases in the Factor VIII database. This variant has not been reported in a large population database, indicating this variant is rare. Different nucleotide substitutions affecting the same amino acid (p.Glu2184Lys, p.Glu2184Gln, and p.Glu2184Val) have been reported to be causative for hemophilia A (Human Gene Mutation Database). Taken together, the c.6551A>G (p.Glu2184Gly) variant is interpreted as likely pathogenic.

NM_000132.4(F8):c.6551A>G (p.Glu2184Gly)

Gene: F8 (coagulation factor VIII; minus strand). Cytogenetic location: Xq28.
Variant type: single nucleotide variant.
Coding change: c.6551A>G on transcript NM_000132.4 (MANE Select); coding-DNA position 6551, A replaced by G.
Protein change: p.Glu2184Gly; replaces glutamic acid 2184 with glycine.
Molecular consequence: missense variant.
Genome position (GRCh38, 1-based): chrX:154,863,106, T>C on the plus strand (A>G on the coding strand, the complement: F8 is on the minus strand). VCF-style: chrX-154863106-T-C. GRCh37 (hg19) VCF-style: chrX-154091381-T-C.
Other names: c.146A>G, p.Glu49Gly (NM_019863.3); short protein forms E2184G, E49G.
Identifiers: ClinVar variation 2631336 (VCV002631336.1), dbSNP rs1412892301, ClinGen allele CA414907024.